The following is an entry in ClinVar:

NM_000088.4(COL1A1):c.3223G>T (p.Ala1075Ser)

Gene: COL1A1 (collagen type I alpha 1 chain; minus strand). Cytogenetic location: 17q21.33.
Variant type: single nucleotide variant.
Coding change: c.3223G>T on transcript NM_000088.4 (MANE Select); coding-DNA position 3223, G replaced by T.
Protein change: p.Ala1075Ser; replaces alanine 1075 with serine.
Molecular consequence: missense variant.
Genome position (GRCh38, 1-based): chr17:50,188,134, C>A on the plus strand (G>T on the coding strand, the complement: COL1A1 is on the minus strand). VCF-style: chr17-50188134-C-A. GRCh37 (hg19) VCF-style: chr17-48265495-T-A.
Other names: short protein forms A1075S.
Identifiers: ClinVar variation 2803600 (VCV002803600.3), dbSNP rs1800215, ClinGen allele CA400200225.
Genomic context (GRCh38, chr17:50,188,134, plus strand): 5'-GGGGACACAGCAGGGTACTTACGGCGGGGCCACGGGCGCCAACAGGGCCGACAGGACCGG[C>A]GGGACCAGCAGGACCCTGGGGAGAGCAAGGAAAGCATGAGCTCTTGGCCAGGGAAGGCTG-3'
Protein context (NP_000079.2, residues 1065-1085): DRGETGPAGP[Ala1075Ser]GPVGPVGARG

ClinVar aggregate classification (germline): Uncertain significance (1 of 4 stars; one submission).

Conditions:
Osteogenesis imperfecta type I (OI1). Also called: Lobstein disease; Classic Non-deforming Osteogenesis Imperfecta with Blue Sclerae; OI, TYPE I; OSTEOGENESIS IMPERFECTA TARDA; OSTEOGENESIS IMPERFECTA WITH BLUE SCLERAE; Osteogenesis imperfecta type 1. Identifiers: Orphanet 216796, Orphanet 666, MedGen C0023931, MONDO:0008146, OMIM 166200. Disease mechanism: loss of function.

gnomAD v4.1: 2 of 1,566,368 alleles (0.00013%); highest among the groups gnomAD compares: South Asian, 0.0023%; no homozygotes.

Submission:

Labcorp Genetics (formerly Invitae), Labcorp
Classification: Uncertain significance for Osteogenesis imperfecta type I. Last evaluated: 2023-02-22. Review status: criteria provided, single submitter. Criteria: Invitae Variant Classification Sherloc (09022015). Collection method: clinical testing. Allele origin: germline.
Comment: This sequence change replaces alanine, which is neutral and non-polar, with serine, which is neutral and polar, at codon 1075 of the COL1A1 protein (p.Ala1075Ser). In summary, the available evidence is currently insufficient to determine the role of this variant in disease. Therefore, it has been classified as a Variant of Uncertain Significance. Experimental studies and prediction algorithms are not available or were not evaluated, and the functional significance of this variant is currently unknown. This variant has not been reported in the literature in individuals affected with COL1A1-related conditions. This variant is not present in population databases (gnomAD no frequency).